The following is an entry in ClinVar:

ClinVar aggregate classification (germline): Uncertain significance (1 of 4 stars; one submission).

Conditions:
MEGF8-related Carpenter syndrome. Also called: Carpenter syndrome 2. Identifiers: Orphanet 65759, MedGen C3554247, MONDO:0013998, OMIM 614976.

Submission:

Labcorp Genetics (formerly Invitae), Labcorp
Classification: Uncertain significance for MEGF8-related Carpenter syndrome. Last evaluated: 2019-07-10. Review status: criteria provided, single submitter. Criteria: Invitae Variant Classification Sherloc (09022015). Collection method: clinical testing. Allele origin: germline.
Comment: This sequence change replaces alanine with valine at codon 1084 of the MEGF8 protein (p.Ala1084Val). The alanine residue is moderately conserved and there is a small physicochemical difference between alanine and valine. This variant is not present in population databases (ExAC no frequency). This variant has not been reported in the literature in individuals with MEGF8-related conditions. Algorithms developed to predict the effect of missense changes on protein structure and function are either unavailable or do not agree on the potential impact of this missense change (SIFT: "Deleterious"; PolyPhen-2: "Possibly Damaging"; Align-GVGD: "Class C0"). In summary, the available evidence is currently insufficient to determine the role of this variant in disease. Therefore, it has been classified as a Variant of Uncertain Significance.

NM_001271938.2(MEGF8):c.3452C>T (p.Ala1151Val)

Gene: MEGF8 (multiple EGF like domains 8; plus strand). Cytogenetic location: 19q13.2.
Variant type: single nucleotide variant.
Coding change: c.3452C>T on transcript NM_001271938.2 (MANE Select); coding-DNA position 3452, C replaced by T.
Protein change: p.Ala1151Val; replaces alanine 1151 with valine.
Molecular consequence: missense variant.
Genome position (GRCh38, 1-based): chr19:42,353,029, C>T. VCF-style: chr19-42353029-C-T. GRCh37 (hg19) VCF-style: chr19-42857181-C-T.
Other names: c.3251C>T, p.Ala1084Val (NM_001410.3); short protein forms A1084V, A1151V.
Identifiers: ClinVar variation 946782 (VCV000946782.9), dbSNP rs2039399285, ClinGen allele CA406106289.